The following is an entry in ClinVar:

ClinVar aggregate classification (germline): Uncertain significance (1 of 4 stars; one submission).

Conditions:
Tuberous sclerosis 2 (TSC2). Identifiers: Orphanet 805, MedGen C1860707, MONDO:0013199, OMIM 613254.

Submission:

Labcorp Genetics (formerly Invitae), Labcorp
Classification: Uncertain significance for Tuberous sclerosis 2. Last evaluated: 2025-10-18. Review status: criteria provided, single submitter. Criteria: Invitae Variant Classification Sherloc (09022015). Collection method: clinical testing. Allele origin: germline.
Comment: This sequence change replaces cysteine, which is neutral and slightly polar, with tyrosine, which is neutral and polar, at codon 414 of the TSC2 protein (p.Cys414Tyr). This variant is not present in population databases (gnomAD no frequency). This variant has not been reported in the literature in individuals affected with TSC2-related conditions. Invitae Evidence Modeling of protein sequence and biophysical properties (such as structural, functional, and spatial information, amino acid conservation, physicochemical variation, residue mobility, and thermodynamic stability) indicates that this missense variant is not expected to disrupt TSC2 protein function with a negative predictive value of 95%. This variant disrupts the p.Cys414 amino acid residue in TSC2. Other variant(s) that disrupt this residue have been determined to be pathogenic (internal data). This suggests that this residue is clinically significant, and that variants that disrupt this residue are likely to be disease-causing. In summary, the available evidence is currently insufficient to determine the role of this variant in disease. Therefore, it has been classified as a Variant of Uncertain Significance.

NM_000548.5(TSC2):c.1241G>A (p.Cys414Tyr)

Gene: TSC2 (TSC complex subunit 2; plus strand). Cytogenetic location: 16p13.3.
Variant type: single nucleotide variant.
Coding change: c.1241G>A on transcript NM_000548.5 (MANE Select); coding-DNA position 1241, G replaced by A.
Protein change: p.Cys414Tyr; replaces cysteine 414 with tyrosine.
Molecular consequence: missense variant. On other transcripts: 5 prime UTR variant (10), non-coding transcript variant (5).
Genome position (GRCh38, 1-based): chr16:2,061,992, G>A. VCF-style: chr16-2061992-G-A. GRCh37 (hg19) VCF-style: chr16-2111993-G-A.
Other names: c.1241G>A, p.Cys414Tyr (NM_001077183.3, NM_001114382.3, NM_001363528.2 and 6 more transcripts); c.1130G>A, p.Cys377Tyr (NM_001318827.2, NM_001406670.1, NM_001406678.1); c.1094G>A, p.Cys365Tyr (NM_001318829.2, NM_001406675.1, NM_001406676.1 and 1 more transcripts); c.641G>A, p.Cys214Tyr (NM_001318831.2, NM_001406680.1, NM_001406682.1 and 6 more transcripts); c.1274G>A, p.Cys425Tyr (NM_001318832.2); c.1331G>A, p.Cys444Tyr (NM_001406667.1, NM_001406668.1); c.1229G>A, p.Cys410Tyr (NM_001406671.1, NM_001406673.1); c.1184G>A, p.Cys395Tyr (NM_001406677.1); and 4 more; short protein forms C214Y, C260Y, C365Y, C377Y, C395Y, C410Y, C414Y, C425Y.
Identifiers: ClinVar variation 4802847 (VCV004802847.1).